The following is an entry in ClinVar:

ClinVar aggregate classification (germline): Pathogenic/Likely pathogenic. Review status: no assertion criteria provided (0 of 4 stars). 2 submissions from 2 submitters: Pathogenic (1); Likely pathogenic (1). Last evaluated 2021-04-20.

Conditions:
Albinism. Identifiers: MedGen C0001916, MONDO:0043209, HP:0001022.
Oculocutaneous albinism type 8. Also called: OCULOCUTANEOUS ALBINISM, TYPE VIII. Identifiers: Orphanet 597733, MedGen C5436929, MONDO:0030899, OMIM 619165.

Submissions (2):

OMIM
Classification: Pathogenic for ALBINISM, OCULOCUTANEOUS, TYPE VIII. Last evaluated: 2021-04-20. Review status: no assertion criteria provided. Collection method: literature only. Allele origin: germline.

Laboratoire de Génétique Moléculaire, CHU Bordeaux
Classification: Likely pathogenic for Albinism. Last evaluated: 2020-06-15. Review status: no assertion criteria provided. Collection method: clinical testing. Allele origin: germline. Affected: yes. Observed: 1 compound heterozygote.
Comment: We sequenced a panel of genes with known or predicted involvement in melanogenesis in 230 unsolved albinism patients in order to search for new mutations. In two unrelated patients we identified variants in the Dopachrome tautomerase (DCT) (also called Tyrosinase-related protein 2, TYRP2) gene. Both patients had mild hair and skin hypopigmentation, and classical ocular features including nystagmus, iris and retinal hypopigmentation. We have used CRISPR/Cas9 in C57BL/6J mice to create mutations identical to the missense mutations carried by these two patients, along with one loss-of-function indel mutation. When bred to homozygosity these novel mouse mutations revealed different degrees of hypopigmentation of the coat, milder for Cys40Ser compared to Cys61Trp or the frameshift mutation. Histological analysis of the retina identified significant hypopigmentation of the retinal pigmented epithelium (RPE) indicating that a defect in RPE melanogenesis could be associated with eye and vision defects in DCT patients.

Literature cited by the submitters: PubMed 33100333 (cited by OMIM).

NM_001922.5(DCT):c.1307_1320del (p.Phe435_Phe436insTer)

Gene: DCT (dopachrome tautomerase; minus strand). Cytogenetic location: 13q32.1.
Variant type: Deletion.
Coding change: c.1307_1320del on transcript NM_001922.5 (MANE Select); coding-DNA positions 1307 to 1320, 14 bases deleted (TCCCTCCAGTGACT).
Protein change: p.Phe435_Phe436insTer.
Molecular consequence: nonsense.
Genome position (GRCh38, 1-based): chr13:94,443,497-94,443,510, AGTCACTGGAGGGA deleted on the plus strand (TCCCTCCAGTGACT on the coding strand, the reverse complement: DCT is on the minus strand); deleting any 14 consecutive bases within chr13:94,443,497-94,443,512 gives the same sequence; the c. name uses the placement nearest the transcript's 3' end. VCF-style (leftmost placement, unchanged base first): chr13-94443496-TAGTCACTGGAGGGA-T. GRCh37 (hg19) VCF-style: chr13-95095750-TAGTCACTGGAGGGA-T.
Other names: c.1406_1419del, p.Phe468_Phe469insTer (NM_001129889.3); c.374_387del, p.Phe124_Phe125insTer (NM_001322182.2, NM_001322183.2, NM_001322184.2 and 1 more transcripts); c.1118_1131del, p.Phe372_Phe373insTer (NM_001322186.2).
Identifiers: ClinVar variation 930182 (VCV000930182.5), dbSNP rs1882493359, ClinGen allele CA1139663343.